The following is an entry in ClinVar:

NM_004655.4(AXIN2):c.126G>A (p.Lys42=)

Gene: AXIN2 (axin 2; minus strand). Cytogenetic location: 17q24.1.
Variant type: single nucleotide variant.
Coding change: c.126G>A on transcript NM_004655.4 (MANE Select); coding-DNA position 126, G replaced by A.
Protein change: p.Lys42=; no amino-acid change (lysine 42 retained).
Molecular consequence: synonymous variant.
Genome position (GRCh38, 1-based): chr17:65,558,495, C>T on the plus strand (G>A on the coding strand, the complement: AXIN2 is on the minus strand). VCF-style: chr17-65558495-C-T. GRCh37 (hg19) VCF-style: chr17-63554613-C-T.
Other names: c.126G>A, p.Lys42= (NM_001363813.1).
Identifiers: ClinVar variation 2451669 (VCV002451669.6), dbSNP rs1555583730, ClinGen allele CA501691565.

ClinVar aggregate classification (germline): Benign/Likely benign. Review status: criteria provided, multiple submitters, no conflicts (2 of 4 stars). 3 submissions from 3 submitters: Benign (1); Likely benign (2). Last evaluated 2025-11-19.

Conditions:
Oligodontia-cancer predisposition syndrome. Also called: TOOTH AGENESIS-COLORECTAL CANCER SYNDROME. Identifiers: Orphanet 300576, MedGen C1837750, MONDO:0012075, OMIM 608615. Disease mechanism: loss of function.
Hereditary cancer-predisposing syndrome. Also called: Neoplastic Syndromes, Hereditary; Tumor predisposition; Hereditary neoplastic syndrome; Hereditary Cancer Syndrome. Identifiers: Orphanet 140162, MedGen C0027672, MeSH D009386, MONDO:0015356.

Allele frequency attached by ClinVar (database versions not stated): gnomAD exomes below 0.00001; TOPMed below 0.00001.
gnomAD v4.1: 2 of 1,612,138 alleles (0.00012%); highest among the groups gnomAD compares: African/African-American, 0.0013%; no homozygotes.

Submissions (3):

Labcorp Genetics (formerly Invitae), Labcorp
Classification: Likely benign for Oligodontia-cancer predisposition syndrome. Last evaluated: 2025-11-19. Review status: criteria provided, single submitter. Criteria: Invitae Variant Classification Sherloc (09022015). Collection method: clinical testing. Allele origin: germline.

Myriad Genetics, Inc.
Classification: Benign for Oligodontia-cancer predisposition syndrome. Last evaluated: 2024-06-25. Review status: criteria provided, single submitter. Criteria: Myriad Autosomal Dominant, Autosomal Recessive and X-Linked Classification Criteria (2023). Collection method: clinical testing. Allele origin: unknown.
Comment: This variant is considered benign. This variant is a silent/synonymous amino acid change and it is not expected to impact splicing.

Ambry Genetics
Classification: Likely benign for Hereditary cancer-predisposing syndrome. Last evaluated: 2023-02-25. Review status: criteria provided, single submitter. Criteria: Ambry Variant Classification Scheme 2023. Collection method: clinical testing. Allele origin: germline.